The following is an entry in ClinVar:

ClinVar aggregate classification (germline): Pathogenic (1 of 4 stars; one submission).

Conditions:
Fanconi anemia (FA). Also called: Fanconi's anemia. Identifiers: Orphanet 84, MedGen C0015625, MeSH D005199, MONDO:0019391.

Submission:

Labcorp Genetics (formerly Invitae), Labcorp
Classification: Pathogenic for Fanconi anemia. Last evaluated: 2021-02-13. Review status: criteria provided, single submitter. Criteria: Invitae Variant Classification Sherloc (09022015). Collection method: clinical testing. Allele origin: germline.
Comment: For these reasons, this variant has been classified as Pathogenic. This variant has not been reported in the literature in individuals with FANCG-related conditions. ClinVar contains an entry for this variant (Variation ID: 644909). This variant is present in population databases (rs758423821, ExAC 0.002%). This sequence change creates a premature translational stop signal (p.Gln406Argfs*9) in the FANCG gene. It is expected to result in an absent or disrupted protein product. Loss-of-function variants in FANCG are known to be pathogenic (PMID: 12552564).

Literature cited by the submitters: PubMed 12552564.

NM_004629.2(FANCG):c.1216del (p.Gln406fs)

Gene: FANCG (FA complementation group G; minus strand). Cytogenetic location: 9p13.3.
Variant type: Deletion.
Coding change: c.1216del on transcript NM_004629.2 (MANE Select); coding-DNA position 1216, one base deleted (C; older notation c.1216delC).
Protein change: p.Gln406fs; shifts the reading frame from glutamine 406.
Molecular consequence: frameshift variant.
Genome position (GRCh38, 1-based): chr9:35,075,682, G deleted on the plus strand (C on the coding strand, the reverse complement: FANCG is on the minus strand); the first of 2 consecutive G bases (chr9:35,075,682-35,075,683); deleting either gives the same sequence. VCF-style (leftmost placement, unchanged base first): chr9-35075681-TG-T. GRCh37 (hg19) VCF-style: chr9-35075678-TG-T.
Other names: c.1216delC (NM_004629.1); short protein forms Q406fs.
Identifiers: ClinVar variation 644909 (VCV000644909.6), dbSNP rs758423821, ClinGen allele CA5039794.